The following is an entry in ClinVar:

ClinVar aggregate classification (germline): Uncertain significance (1 of 4 stars; one submission).

Conditions:
Familial thoracic aortic aneurysm and aortic dissection (TAAD). Also called: Thoracic aortic aneurysms and dissections. Identifiers: Orphanet 91387, MedGen C4707243, MONDO:0019625.

Submission:

Color Diagnostics, LLC DBA Color Health
Classification: Uncertain significance for Familial thoracic aortic aneurysm and aortic dissection. Last evaluated: 2020-01-29. Review status: criteria provided, single submitter. Criteria: ACMG Guidelines, 2015. Collection method: clinical testing. Allele origin: germline.
Comment: This variant causes an A>G nucleotide substitution at the +3 position of intron 23 of the MYH11 gene. Splice site prediction tools and conservation analysis are inconclusive regarding the impact of this variant on RNA splicing. To our knowledge, functional studies have not been performed for this variant. This variant has not been reported in individuals affected with cardiovascular disorders in the literature. This variant has not been identified in the general population by the Genome Aggregation Database (gnomAD). The available evidence is insufficient to determine the role of this variant in disease conclusively. Therefore, this variant is classified as a Variant of Uncertain Significance.

NM_002474.3(MYH11):c.2859+3A>G

Gene: MYH11 (myosin heavy chain 11; minus strand). Cytogenetic location: 16p13.11.
Variant type: single nucleotide variant.
Coding change: c.2859+3A>G on transcript NM_002474.3 (MANE Select); 3 bases into the intron after coding-DNA position 2859, A replaced by G.
Molecular consequence: intron variant.
Genome position (GRCh38, 1-based): chr16:15,741,460, T>C on the plus strand (A>G on the coding strand, the complement: MYH11 is on the minus strand). VCF-style: chr16-15741460-T-C. GRCh37 (hg19) VCF-style: chr16-15835317-T-C.
Other names: c.2859+3A>G (NM_022844.3); c.2880+3A>G (NM_001040114.2, NM_001040113.2).
Identifiers: ClinVar variation 926492 (VCV000926492.3), dbSNP rs2041269100, ClinGen allele CA493790477.